The following is an entry in ClinVar:

NM_025257.3(SLC44A4):c.1487G>A (p.Arg496His)

Gene: SLC44A4 (solute carrier family 44 member 4; minus strand). Cytogenetic location: 6p21.33.
Variant type: single nucleotide variant.
Coding change: c.1487G>A on transcript NM_025257.3 (MANE Select); coding-DNA position 1487, G replaced by A.
Protein change: p.Arg496His; replaces arginine 496 with histidine.
Molecular consequence: missense variant.
Genome position (GRCh38, 1-based): chr6:31,865,873, C>T on the plus strand (G>A on the coding strand, the complement: SLC44A4 is on the minus strand). VCF-style: chr6-31865873-C-T. GRCh37 (hg19) VCF-style: chr6-31833650-C-T.
Other names: c.1361G>A, p.Arg454His (NM_001178044.2); c.1259G>A, p.Arg420His (NM_001178045.2); short protein forms R420H, R454H, R496H.
Identifiers: ClinVar variation 1360561 (VCV001360561.8), dbSNP rs201689147, ClinGen allele CA3725392.

ClinVar aggregate classification (germline): Uncertain significance. Review status: criteria provided, multiple submitters, no conflicts (2 of 4 stars). 2 submissions from 2 submitters: Uncertain significance (2). Last evaluated 2024-04-30.

Allele frequency attached by ClinVar (database versions not stated): ExAC 0.00012; gnomAD exomes 0.00013 and 0.00027; gnomAD 0.00014 and 0.00019; TOPMed 0.00021; ESP Exome Variant Server 0.00031.
gnomAD v4.1: 441 of 1,614,022 alleles (0.027%); highest among the groups gnomAD compares: South Asian, 0.053%; 2 homozygotes.

Submissions (3):

Labcorp Genetics (formerly Invitae), Labcorp
Classification: Uncertain significance. Last evaluated: 2024-04-30. Review status: criteria provided, single submitter. Criteria: Invitae Variant Classification Sherloc (09022015). Collection method: clinical testing. Allele origin: germline.
Comment: This sequence change affects codon 496 of the SLC44A4 mRNA. It is a 'silent' change, meaning that it does not change the encoded amino acid sequence of the SLC44A4 protein. This variant also falls at the last nucleotide of exon 14, which is part of the consensus splice site for this exon. This variant is present in population databases (rs201689147, gnomAD 0.04%), and has an allele count higher than expected for a pathogenic variant. This variant has been observed in individual(s) with autosomal dominant deafness (Invitae). It has also been observed to segregate with disease in related individuals. ClinVar contains an entry for this variant (Variation ID: 1360561). Algorithms developed to predict the effect of missense changes on protein structure and function output the following: SIFT: "Not Available"; PolyPhen-2: "Benign"; Align-GVGD: "Not Available". The histidine amino acid residue is found in multiple mammalian species, which suggests that this missense change does not adversely affect protein function. Variants that disrupt the consensus splice site are a relatively common cause of aberrant splicing (PMID: 17576681, 9536098). Algorithms developed to predict the effect of sequence changes on RNA splicing suggest that this variant may disrupt the consensus splice site. In summary, the available evidence is currently insufficient to determine the role of this variant in disease. Therefore, it has been classified as a Variant of Uncertain Significance.

Breakthrough Genomics
Classification: Uncertain significance. Review status: criteria provided, single submitter. Criteria: ACMG Guidelines, 2015. Collection method: not provided. Allele origin: germline. Inheritance: Autosomal dominant inheritance. Affected: yes.

Dr. Peter K. Rogan Lab, Western University
No classification provided (evidence only). Condition: Familial cancer of breast. Review status: no classification provided. Collection method: in vitro. Allele origin: not applicable. Functional consequence: skipped exon, retained intron. Not counted in ClinVar's aggregate classification.

Literature cited by the submitters: PubMed 17576681 (cited by Labcorp Genetics (formerly Invitae), Labcorp); PubMed 9536098 (cited by Labcorp Genetics (formerly Invitae), Labcorp).